The following is an entry in ClinVar:

NM_025137.4(SPG11):c.7006A>C (p.Ile2336Leu)

Gene: SPG11 (SPG11 vesicle trafficking associated, spatacsin; minus strand). Cytogenetic location: 15q21.1.
Variant type: single nucleotide variant.
Coding change: c.7006A>C on transcript NM_025137.4 (MANE Select); coding-DNA position 7006, A replaced by C.
Protein change: p.Ile2336Leu; replaces isoleucine 2336 with leucine.
Molecular consequence: missense variant.
Genome position (GRCh38, 1-based): chr15:44,564,692, T>G on the plus strand (A>C on the coding strand, the complement: SPG11 is on the minus strand). VCF-style: chr15-44564692-T-G. GRCh37 (hg19) VCF-style: chr15-44856890-T-G.
Other names: c.6667A>C, p.Ile2223Leu (NM_001160227.2); c.6862A>C, p.Ile2288Leu (NM_001411132.1); short protein forms I2336L, I2223L, I2288L.
Identifiers: ClinVar variation 2158777 (VCV002158777.1), dbSNP rs932123549, ClinGen allele CA392212995.

ClinVar aggregate classification (germline): Uncertain significance (1 of 4 stars; one submission).

Conditions:
Hereditary spastic paraplegia 11. Also called: Spastic paraplegia, mental retardation and thin corpus callosum; Nakamura Osame syndrome; Autosomal recessive hereditary spastic paraplegia, mental impairment, and thin corpus callosum; SPASTIC PARAPLEGIA, AUTOSOMAL RECESSIVE, COMPLICATED, WITH THIN CORPUS CALLOSUM; SPASTIC PARAPLEGIA, AUTOSOMAL RECESSIVE, WITH MENTAL IMPAIRMENT AND THIN CORPUS CALLOSUM; Spastic Paraplegia 11. Identifiers: Orphanet 2822, MedGen C1858479, MONDO:0011445, OMIM 604360.

gnomAD v4.1: 8 of 1,614,160 alleles (0.0005%); highest among the groups gnomAD compares: Non-Finnish European, 0.00059%; no homozygotes.

Submission:

Labcorp Genetics (formerly Invitae), Labcorp
Classification: Uncertain significance for Hereditary spastic paraplegia 11. Last evaluated: 2022-01-29. Review status: criteria provided, single submitter. Criteria: Invitae Variant Classification Sherloc (09022015). Collection method: clinical testing. Allele origin: germline.
Comment: This sequence change replaces isoleucine, which is neutral and non-polar, with leucine, which is neutral and non-polar, at codon 2336 of the SPG11 protein (p.Ile2336Leu). This variant is not present in population databases (gnomAD no frequency). This variant has not been reported in the literature in individuals affected with SPG11-related conditions. Algorithms developed to predict the effect of missense changes on protein structure and function are either unavailable or do not agree on the potential impact of this missense change (SIFT: "Deleterious"; PolyPhen-2: "Benign"; Align-GVGD: "Class C0"). In summary, the available evidence is currently insufficient to determine the role of this variant in disease. Therefore, it has been classified as a Variant of Uncertain Significance.